The following is an entry in ClinVar:

NM_002617.4(PEX10):c.692_703del (p.Ser231_Gln235delinsTer)

Gene: PEX10 (peroxisomal biogenesis factor 10; minus strand). Cytogenetic location: 1p36.32.
Variant type: Deletion.
Coding change: c.692_703del on transcript NM_002617.4 (MANE Select); coding-DNA positions 692 to 703, 12 bases deleted (CCATGGGGCTGC).
Protein change: p.Ser231_Gln235delinsTer.
Molecular consequence: nonsense. On other transcripts: non-coding transcript variant (1).
Genome position (GRCh38, 1-based): chr1:2,406,793-2,406,804, GCAGCCCCATGG deleted on the plus strand (CCATGGGGCTGC on the coding strand, the reverse complement: PEX10 is on the minus strand). VCF-style (leftmost placement, unchanged base first): chr1-2406792-TGCAGCCCCATGG-T. GRCh37 (hg19) VCF-style: chr1-2338231-TGCAGCCCCATGG-T.
Other names: c.752_763del12 (NM_153818.1); c.749_760del, p.Ser250_Gln254delinsTer (NM_001374425.1); c.317_328del, p.Ser106_Gln110delinsTer (NM_001374426.1); c.260_271del, p.Ser87_Gln91delinsTer (NM_001374427.1); c.752_763del, p.Ser251_Gln255delinsTer (NM_153818.2).
Identifiers: ClinVar variation 557464 (VCV000557464.9), dbSNP rs768893724, ClinGen allele CA538064.
Genomic context (GRCh38, chr1:2,406,792, plus strand): 5'-AGGCCGCGGTGCAGCCTCCACTCCTTCCTGGCTCGCTGCCGCTGCCTGAAACCGTACAGC[TGCAGCCCCATGG>T]ACAGCACCAGGTGCAGCAGTGAGATGACCCCCAGCAGCCTGTAGCTAACACGGGCCCTCA-3'

ClinVar aggregate classification (germline): Pathogenic/Likely pathogenic. Review status: criteria provided, multiple submitters, no conflicts (2 of 4 stars). 3 submissions from 3 submitters: Pathogenic (1); Likely pathogenic (1). 1 of the submissions does not count toward it. Last evaluated 2024-03-09.

Conditions:
Peroxisome biogenesis disorder 6A (Zellweger). Also called: Peroxisome biogenesis disorder 6A. Identifiers: Orphanet 912, MedGen C3553947, MONDO:0013936, OMIM 614870.
Peroxisome biogenesis disorder 6B (PBD6B). Identifiers: Orphanet 44, MedGen C3553948, MONDO:0013937, OMIM 614871.
Peroxisome biogenesis disorder, complementation group 7 (CG7). Also called: Peroxisome biogenesis disorder, complementation group B. Identifiers: MedGen C1864399.

Allele frequency attached by ClinVar (database versions not stated): gnomAD exomes below 0.00001; TOPMed below 0.00001; ExAC 0.00001.

Submissions (3):

Baylor Genetics
Classification: Likely pathogenic for Peroxisome biogenesis disorder 6A (Zellweger). Last evaluated: 2024-03-09. Review status: criteria provided, single submitter. Criteria: ACMG Guidelines, 2015. Collection method: clinical testing. Allele origin: unknown.

Labcorp Genetics (formerly Invitae), Labcorp
Classification: Pathogenic for Peroxisome biogenesis disorder, complementation group 7. Last evaluated: 2022-07-06. Review status: criteria provided, single submitter. Criteria: Invitae Variant Classification Sherloc (09022015). Collection method: clinical testing. Allele origin: germline.
Comment: For these reasons, this variant has been classified as Pathogenic. ClinVar contains an entry for this variant (Variation ID: 557464). This variant has not been reported in the literature in individuals affected with PEX10-related conditions. This variant is present in population databases (rs768893724, gnomAD 0.0009%). This sequence change creates a premature translational stop signal (p.Ser251*) in the PEX10 gene. It is expected to result in an absent or disrupted protein product. Loss-of-function variants in PEX10 are known to be pathogenic (PMID: 9683594, 10862081, 21031596).

Counsyl
Classification: Likely pathogenic for Peroxisome biogenesis disorder 6A (Zellweger); Peroxisome biogenesis disorder 6B. Last evaluated: 2018-03-26. Review status: no assertion criteria provided. Collection method: clinical testing. Allele origin: unknown. Not counted in ClinVar's aggregate classification.

Literature cited by the submitters: PubMed 9683594 (cited by Labcorp Genetics (formerly Invitae), Labcorp); PubMed 10862081 (cited by Labcorp Genetics (formerly Invitae), Labcorp); PubMed 21031596 (cited by Labcorp Genetics (formerly Invitae), Labcorp).